The following is an entry in ClinVar:

ClinVar aggregate classification (germline): Uncertain significance (1 of 4 stars; one submission).

Submission:

Labcorp Genetics (formerly Invitae), Labcorp
Classification: Uncertain significance. Last evaluated: 2024-12-11. Review status: criteria provided, single submitter. Criteria: Invitae Variant Classification Sherloc (09022015). Collection method: clinical testing. Allele origin: germline.
Comment: This sequence change replaces aspartic acid, which is acidic and polar, with asparagine, which is neutral and polar, at codon 764 of the GSN protein (p.Asp764Asn). This variant is not present in population databases (gnomAD no frequency). This variant has not been reported in the literature in individuals affected with GSN-related conditions. Invitae Evidence Modeling of protein sequence and biophysical properties (such as structural, functional, and spatial information, amino acid conservation, physicochemical variation, residue mobility, and thermodynamic stability) indicates that this missense variant is not expected to disrupt GSN protein function with a negative predictive value of 80%. In summary, the available evidence is currently insufficient to determine the role of this variant in disease. Therefore, it has been classified as a Variant of Uncertain Significance.

NM_198252.3(GSN):c.2137G>A (p.Asp713Asn)

Gene: GSN (gelsolin; plus strand). Cytogenetic location: 9q33.2.
Variant type: single nucleotide variant.
Coding change: c.2137G>A on transcript NM_198252.3 (MANE Select); coding-DNA position 2137, G replaced by A.
Protein change: p.Asp713Asn; replaces aspartic acid 713 with asparagine.
Molecular consequence: missense variant.
Genome position (GRCh38, 1-based): chr9:121,332,544, G>A. VCF-style: chr9-121332544-G-A. GRCh37 (hg19) VCF-style: chr9-124094822-G-A.
Other names: c.2290G>A, p.Asp764Asn (NM_000177.5); c.2137G>A, p.Asp713Asn (NM_001127662.2, NM_001127664.2, NM_001127665.2 and 10 more transcripts); c.2245G>A, p.Asp749Asn (NM_001127663.2); c.2170G>A, p.Asp724Asn (NM_001127666.2, NM_001127667.2, NM_001353070.2 and 13 more transcripts); c.2188G>A, p.Asp730Asn (NM_001258029.2); c.2161G>A, p.Asp721Asn (NM_001258030.2); c.2209G>A, p.Asp737Asn (NM_001353076.2); c.1483G>A, p.Asp495Asn (NM_001353078.2); short protein forms D495N, D724N, D730N, D713N, D721N, D737N, D749N, D764N.
Identifiers: ClinVar variation 3704521 (VCV003704521.2).